The following is an entry in ClinVar:

ClinVar aggregate classification (germline): Likely benign (1 of 4 stars; one submission).

Allele frequency attached by ClinVar (database versions not stated): 1000 Genomes Project 30x 0.00016; gnomAD 0.00019; 1000 Genomes Project 0.00020; TOPMed 0.00020.

Submission:

CeGaT Center for Human Genetics Tuebingen
Classification: Likely benign. Last evaluated: 2022-07-01. Review status: criteria provided, single submitter. Criteria: CeGaT Center For Human Genetics Tuebingen Variant Classification Criteria Version 2. Collection method: clinical testing. Allele origin: germline. Affected: yes. Observed: 1 variant allele.
Comment: TRIO: BS2

NM_007118.4(TRIO):c.5204-19732G>A

Gene: TRIO (trio Rho guanine nucleotide exchange factor; plus strand). Cytogenetic location: 5p15.2.
Variant type: single nucleotide variant.
Coding change: c.5204-19732G>A on transcript NM_007118.4 (MANE Select); 19732 bases into the intron before coding-DNA position 5204, G replaced by A.
Molecular consequence: intron variant.
Genome position (GRCh38, 1-based): chr5:14,441,287, G>A. VCF-style: chr5-14441287-G-A. GRCh37 (hg19) VCF-style: chr5-14441396-G-A.
Identifiers: ClinVar variation 2655330 (VCV002655330.24), dbSNP rs573015484, ClinGen allele CA113997704.